The following is an entry in ClinVar:

ClinVar aggregate classification (germline): Pathogenic. Review status: criteria provided, multiple submitters, no conflicts (2 of 4 stars). 2 submissions from 2 submitters: Pathogenic (2). Last evaluated 2024-05-08.

Conditions:
Microcephaly, normal intelligence and immunodeficiency (NBS). Also called: Nijmegen breakage syndrome; Microcephaly with normal intelligence immunodeficiency and lymphoreticular malignancies; Nonsyndromal microcephaly autosomal recessive with normal intelligence; Seemanova syndrome 2; Immunodeficiency, microcephaly with normal intelligence; IMMUNODEFICIENCY, MICROCEPHALY, AND CHROMOSOMAL INSTABILITY. Identifiers: Orphanet 647, MedGen C0398791, MONDO:0009623, OMIM 251260.
Hereditary cancer-predisposing syndrome. Also called: Neoplastic Syndromes, Hereditary; Hereditary Cancer Syndrome; Hereditary neoplastic syndrome; Tumor predisposition. Identifiers: Orphanet 140162, MedGen C0027672, MeSH D009386, MONDO:0015356.

Submissions (2):

Myriad Genetics, Inc.
Classification: Pathogenic for Microcephaly, normal intelligence and immunodeficiency. Last evaluated: 2024-05-08. Review status: criteria provided, single submitter. Criteria: Myriad Autosomal Dominant, Autosomal Recessive and X-Linked Classification Criteria (2023). Collection method: clinical testing. Allele origin: unknown.
Comment: NM_002485.4(NBN):c.827delC(T276Kfs*6) is expected to be pathogenic in the context of Nijmegen breakage syndrome. This variant is predicted to lead to an abnormal or absent protein product due to the creation of a premature termination codon in NBN, a gene where loss-of-function variants are known to be pathogenic. Please note: this variant was assessed in the context of healthy population screening.

Ambry Genetics
Classification: Pathogenic for Hereditary cancer-predisposing syndrome. Last evaluated: 2019-08-29. Review status: criteria provided, single submitter. Criteria: Ambry Variant Classification Scheme 2023. Collection method: clinical testing. Allele origin: germline.
Comment: The c.827delC variant, located in coding exon 7 of the NBN gene, results from a deletion of one nucleotide at nucleotide position 827, causing a translational frameshift with a predicted alternate stop codon (p.T276Kfs*6). This alteration is expected to result in loss of function by premature protein truncation or nonsense-mediated mRNA decay. As such, this alteration is interpreted as a disease-causing mutation.

NM_002485.5(NBN):c.827del (p.Thr276fs)

Gene: NBN (nibrin; minus strand). Cytogenetic location: 8q21.3.
Variant type: Deletion.
Coding change: c.827del on transcript NM_002485.5 (MANE Select); coding-DNA position 827, one base deleted (C; older notation c.827delC).
Protein change: p.Thr276fs; shifts the reading frame from threonine 276.
Molecular consequence: frameshift variant.
Genome position (GRCh38, 1-based): chr8:89,970,433, G deleted on the plus strand (C on the coding strand, the reverse complement: NBN is on the minus strand). VCF-style (leftmost placement, unchanged base first): chr8-89970432-TG-T. GRCh37 (hg19) VCF-style: chr8-90982660-TG-T.
Other names: c.581del, p.Thr194fs (NM_001024688.3); short protein forms T194fs, T276fs.
Identifiers: ClinVar variation 827555 (VCV000827555.5), dbSNP rs1586086621, ClinGen allele CA915945787.